The following is an entry in ClinVar:

NM_000046.5(ARSB):c.934T>C (p.Trp312Arg)

Gene: ARSB (arylsulfatase B; minus strand). Cytogenetic location: 5q14.1.
Variant type: single nucleotide variant.
Coding change: c.934T>C on transcript NM_000046.5 (MANE Select); coding-DNA position 934, T replaced by C.
Protein change: p.Trp312Arg; replaces tryptophan 312 with arginine.
Molecular consequence: missense variant.
Genome position (GRCh38, 1-based): chr5:78,885,792, A>G on the plus strand (T>C on the coding strand, the complement: ARSB is on the minus strand). VCF-style: chr5-78885792-A-G. GRCh37 (hg19) VCF-style: chr5-78181615-A-G.
Other names: c.934T>C, p.Trp312Arg (NM_198709.3); short protein forms W312R.
Identifiers: ClinVar variation 92355 (VCV000092355.12), dbSNP rs398123124, ClinGen allele CA220286.

ClinVar aggregate classification (germline): Conflicting classifications of pathogenicity. Review status: criteria provided, conflicting classifications (1 of 4 stars). 4 submissions from 4 submitters: Likely pathogenic (2); Uncertain significance (2). Last evaluated 2025-06-17.

Conditions:
ARSB-related disorder. Also called: ARSB-related condition.
Mucopolysaccharidosis type 6 (MPS6). Also called: MPS VI; N-ACETYLGALACTOSAMINE-4-SULFATASE DEFICIENCY; MPS 6; Maroteaux Lamy syndrome; ARSB DEFICIENCY; ARYLSULFATASE B DEFICIENCY. Identifiers: Orphanet 583, MedGen C0026709, MONDO:0009661, OMIM 253200.

Allele frequency attached by ClinVar (database versions not stated): gnomAD exomes 0.00001 and 0.00002; TOPMed below 0.00001; gnomAD 0.00001.
gnomAD v4.1: 31 of 1,614,070 alleles (0.0019%); highest among the groups gnomAD compares: Non-Finnish European, 0.0025%; no homozygotes.

Submissions (4):

Women's Health and Genetics/Laboratory Corporation of America, LabCorp
Classification: Uncertain significance. Last evaluated: 2025-06-17. Review status: criteria provided, single submitter. Criteria: LabCorp Variant Classification Summary - May 2015. Collection method: clinical testing. Allele origin: germline.
Comment: Variant summary: ARSB c.934T>C (p.Trp312Arg) results in a non-conservative amino acid change located in the Sulfatase, N-terminal domain (IPR000917) of the encoded protein sequence. Algorithms developed to predict the effect of missense changes on protein structure and function all suggest that this variant is likely to be disruptive. The variant allele was found at a frequency of 8e-06 in 251332 control chromosomes. The available data on variant occurrences in the general population are insufficient to allow any conclusion about variant significance. To our knowledge, no occurrence of c.934T>C in individuals affected with Mucopolysaccharidosis Type VI (Maroteaux-Lamy Syndrome) and no experimental evidence demonstrating its impact on protein function have been reported. A different variant affecting the same codon has been classified as likely pathogenic/pathogenic by our lab (c.936G>T, p.Trp312Cys), supporting the critical relevance of codon 312 to ARSB protein function. ClinVar contains an entry for this variant (Variation ID: 92355). Based on the evidence outlined above, the variant was classified as uncertain significance.

Labcorp Genetics (formerly Invitae), Labcorp
Classification: Likely pathogenic for Mucopolysaccharidosis type 6. Last evaluated: 2024-03-09. Review status: criteria provided, single submitter. Criteria: Invitae Variant Classification Sherloc (09022015). Collection method: clinical testing. Allele origin: germline.
Comment: This sequence change replaces tryptophan, which is neutral and slightly polar, with arginine, which is basic and polar, at codon 312 of the ARSB protein (p.Trp312Arg). This variant is present in population databases (rs398123124, gnomAD 0.002%). This variant has not been reported in the literature in individuals affected with ARSB-related conditions. ClinVar contains an entry for this variant (Variation ID: 92355). Advanced modeling of protein sequence and biophysical properties (such as structural, functional, and spatial information, amino acid conservation, physicochemical variation, residue mobility, and thermodynamic stability) performed at Invitae indicates that this missense variant is expected to disrupt ARSB protein function with a positive predictive value of 95%. This variant disrupts the p.Trp312 amino acid residue in ARSB. Other variant(s) that disrupt this residue have been determined to be pathogenic (PMID: 14974081). This suggests that this residue is clinically significant, and that variants that disrupt this residue are likely to be disease-causing. In summary, the currently available evidence indicates that the variant is pathogenic, but additional data are needed to prove that conclusively. Therefore, this variant has been classified as Likely Pathogenic.

Blueprint Genetics
Classification: Likely pathogenic for ARSB-related disorders. Last evaluated: 2023-07-12. Review status: criteria provided, single submitter. Criteria: ACMG Guidelines, 2015. Collection method: clinical testing. Allele origin: germline. Affected: yes. Observed: 2 variant alleles.

Eurofins Ntd Llc (ga)
Classification: Uncertain significance. Last evaluated: 2013-07-26. Review status: criteria provided, single submitter. Criteria: EGL Classification Definitions 2015. Collection method: clinical testing. Allele origin: germline. Observed: 1 variant allele, 1 heterozygote.

Literature cited by the submitters: PubMed 17458871 (cited by Women's Health and Genetics/Laboratory Corporation of America, LabCorp); PubMed 14974081 (cited by Labcorp Genetics (formerly Invitae), Labcorp).